The following is an entry in ClinVar:

NM_001145809.2(MYH14):c.3464C>G (p.Ala1155Gly)

Gene: MYH14 (myosin heavy chain 14; plus strand). Cytogenetic location: 19q13.33.
Variant type: single nucleotide variant.
Coding change: c.3464C>G on transcript NM_001145809.2 (MANE Select); coding-DNA position 3464, C replaced by G.
Protein change: p.Ala1155Gly; replaces alanine 1155 with glycine.
Molecular consequence: missense variant.
Genome position (GRCh38, 1-based): chr19:50,272,728, C>G. VCF-style: chr19-50272728-C-G. GRCh37 (hg19) VCF-style: chr19-50775985-C-G.
Other names: c.3365C>G, p.Ala1122Gly (NM_001077186.2); c.3341C>G, p.Ala1114Gly (NM_024729.4); short protein forms A1114G, A1122G, A1155G.
Identifiers: ClinVar variation 1707730 (VCV001707730.2), dbSNP rs2514414913, ClinGen allele CA406953214.

ClinVar aggregate classification (germline): Uncertain significance (1 of 4 stars; one submission).

Submission:

GeneDx
Classification: Uncertain significance. Last evaluated: 2022-03-28. Review status: criteria provided, single submitter. Criteria: GeneDx Variant Classification Process June 2021. Collection method: clinical testing. Allele origin: germline. Affected: yes.
Comment: Not observed at significant frequency in large population cohorts (gnomAD); In silico analysis supports that this missense variant has a deleterious effect on protein structure/function; Has not been previously published as pathogenic or benign to our knowledge